The following is an entry in ClinVar:

NM_002336.3(LRP6):c.2911G>A (p.Asp971Asn)

Gene: LRP6 (LDL receptor related protein 6; minus strand). Cytogenetic location: 12p13.2.
Variant type: single nucleotide variant.
Coding change: c.2911G>A on transcript NM_002336.3 (MANE Select); coding-DNA position 2911, G replaced by A.
Protein change: p.Asp971Asn; replaces aspartic acid 971 with asparagine.
Molecular consequence: missense variant.
Genome position (GRCh38, 1-based): chr12:12,150,919, C>T on the plus strand (G>A on the coding strand, the complement: LRP6 is on the minus strand). VCF-style: chr12-12150919-C-T. GRCh37 (hg19) VCF-style: chr12-12303853-C-T.
Other names: c.2911G>A (NM_002336.2); c.2911G>A, p.Asp971Asn (NM_001414244.1, NM_001414245.1, NM_001414246.1 and 4 more transcripts); c.2713G>A, p.Asp905Asn (NM_001414247.1); c.2458G>A, p.Asp820Asn (NM_001414252.1, NM_001414253.1, NM_001414254.1); c.2404G>A, p.Asp802Asn (NM_001414255.1); short protein forms D802N, D820N, D971N, D905N.
Identifiers: ClinVar variation 2174266 (VCV002174266.5), dbSNP rs1433112318, ClinGen allele CA383942344.

ClinVar aggregate classification (germline): Uncertain significance. Review status: criteria provided, multiple submitters, no conflicts (2 of 4 stars). 2 submissions from 2 submitters: Uncertain significance (2). Last evaluated 2025-08-25.

Conditions:
Inborn genetic diseases. Identifiers: MedGen C0950123, MeSH D030342.

Allele frequency attached by ClinVar (database versions not stated): gnomAD exomes 0.00001; gnomAD 0.00003; TOPMed 0.00004.
gnomAD v4.1: 13 of 1,614,054 alleles (0.00081%); highest among the groups gnomAD compares: African/African-American, 0.0013%; no homozygotes.

Submissions (2):

Labcorp Genetics (formerly Invitae), Labcorp
Classification: Uncertain significance. Last evaluated: 2025-08-25. Review status: criteria provided, single submitter. Criteria: Invitae Variant Classification Sherloc (09022015). Collection method: clinical testing. Allele origin: germline.
Comment: This sequence change replaces aspartic acid, which is acidic and polar, with asparagine, which is neutral and polar, at codon 971 of the LRP6 protein (p.Asp971Asn). This variant is not present in population databases (gnomAD no frequency). This variant has not been reported in the literature in individuals affected with LRP6-related conditions. ClinVar contains an entry for this variant (Variation ID: 2174266). Invitae Evidence Modeling of protein sequence and biophysical properties (such as structural, functional, and spatial information, amino acid conservation, physicochemical variation, residue mobility, and thermodynamic stability) indicates that this missense variant is not expected to disrupt LRP6 protein function with a negative predictive value of 80%. In summary, the available evidence is currently insufficient to determine the role of this variant in disease. Therefore, it has been classified as a Variant of Uncertain Significance.

Ambry Genetics
Classification: Uncertain significance for Inborn genetic diseases. Last evaluated: 2024-12-28. Review status: criteria provided, single submitter. Criteria: Ambry Variant Classification Scheme 2023. Collection method: clinical testing. Allele origin: germline.